The following is an entry in ClinVar:

NM_007186.6(CEP250):c.3547G>A (p.Ala1183Thr)

Gene: CEP250 (centrosomal protein 250; plus strand). Cytogenetic location: 20q11.22.
Variant type: single nucleotide variant.
Coding change: c.3547G>A on transcript NM_007186.6 (MANE Select); coding-DNA position 3547, G replaced by A.
Protein change: p.Ala1183Thr; replaces alanine 1183 with threonine.
Molecular consequence: missense variant.
Genome position (GRCh38, 1-based): chr20:35,497,959, G>A. VCF-style: chr20-35497959-G-A. GRCh37 (hg19) VCF-style: chr20-34085788-G-A.
Other names: c.1651G>A, p.Ala551Thr (NM_001318219.1); short protein forms A1183T, A551T.
Identifiers: ClinVar variation 1007924 (VCV001007924.7), dbSNP rs1410810070, ClinGen allele CA408744542.

ClinVar aggregate classification (germline): Uncertain significance (1 of 4 stars; one submission).

Allele frequency attached by ClinVar (database versions not stated): gnomAD exomes below 0.00001.
gnomAD v4.1: 1 of 1,612,268 alleles (0.000062%); highest among the groups gnomAD compares: South Asian, 0.0011%; no homozygotes.

Submission:

Labcorp Genetics (formerly Invitae), Labcorp
Classification: Uncertain significance. Last evaluated: 2020-03-05. Review status: criteria provided, single submitter. Criteria: Invitae Variant Classification Sherloc (09022015). Collection method: clinical testing. Allele origin: germline.
Comment: This sequence change replaces alanine with theronine at codon 1183 of the CEP250 protein (p.Ala1183Thr). The alanine residue is weakly conserved and there is a small physicochemical difference between alanine and threonine. This variant is not present in population databases (ExAC no frequency). This variant has not been reported in the literature in individuals with CEP250-related conditions. Algorithms developed to predict the effect of missense changes on protein structure and function are either unavailable or do not agree on the potential impact of this missense change (SIFT: "Not Available"; PolyPhen-2: "Probably Damaging"; Align-GVGD: "Not Available"). In summary, the available evidence is currently insufficient to determine the role of this variant in disease. Therefore, it has been classified as a Variant of Uncertain Significance.